The following is an entry in ClinVar:

ClinVar aggregate classification (germline): Uncertain significance. Review status: criteria provided, multiple submitters, no conflicts (2 of 4 stars). 2 submissions from 2 submitters: Uncertain significance (2). Last evaluated 2025-08-21.

Conditions:
Brugada syndrome 8 (BRGDA8). Identifiers: Orphanet 130, MedGen C2751083, MONDO:0013148, OMIM 613123.
Cardiovascular phenotype. Identifiers: MedGen CN230736.

gnomAD v4.1: 3 of 1,525,148 alleles (0.0002%); highest among the groups gnomAD compares: Non-Finnish European, 0.00026%; no homozygotes.

Submissions (2):

Ambry Genetics
Classification: Uncertain significance for Cardiovascular phenotype. Last evaluated: 2025-08-21. Review status: criteria provided, single submitter. Criteria: Ambry Variant Classification Scheme 2023. Collection method: clinical testing. Allele origin: germline.

Labcorp Genetics (formerly Invitae), Labcorp
Classification: Uncertain significance for Brugada syndrome 8. Last evaluated: 2022-05-05. Review status: criteria provided, single submitter. Criteria: Invitae Variant Classification Sherloc (09022015). Collection method: clinical testing. Allele origin: germline.
Comment: This sequence change replaces alanine, which is neutral and non-polar, with serine, which is neutral and polar, at codon 944 of the HCN4 protein (p.Ala944Ser). The frequency data for this variant in the population databases is considered unreliable, as metrics indicate poor data quality at this position in the gnomAD database. In summary, the available evidence is currently insufficient to determine the role of this variant in disease. Therefore, it has been classified as a Variant of Uncertain Significance. Advanced modeling of protein sequence and biophysical properties (such as structural, functional, and spatial information, amino acid conservation, physicochemical variation, residue mobility, and thermodynamic stability) performed at Invitae indicates that this missense variant is not expected to disrupt HCN4 protein function. This variant has not been reported in the literature in individuals affected with HCN4-related conditions.

NM_005477.3(HCN4):c.2830G>T (p.Ala944Ser)

Gene: HCN4 (hyperpolarization activated cyclic nucleotide gated potassium channel 4; minus strand). Cytogenetic location: 15q24.1.
Variant type: single nucleotide variant.
Coding change: c.2830G>T on transcript NM_005477.3 (MANE Select); coding-DNA position 2830, G replaced by T.
Protein change: p.Ala944Ser; replaces alanine 944 with serine.
Molecular consequence: missense variant.
Genome position (GRCh38, 1-based): chr15:73,323,263, C>A on the plus strand (G>T on the coding strand, the complement: HCN4 is on the minus strand). VCF-style: chr15-73323263-C-A. GRCh37 (hg19) VCF-style: chr15-73615604-C-A.
Other names: c.2830G>T (NM_005477.2); short protein forms A944S.
Identifiers: ClinVar variation 2065013 (VCV002065013.6), dbSNP rs777648103, ClinGen allele CA7648947.